The following is an entry in ClinVar:

ClinVar aggregate classification (germline): Uncertain significance. Review status: criteria provided, multiple submitters, no conflicts (2 of 4 stars). 2 submissions from 2 submitters: Uncertain significance (2). Last evaluated 2024-10-30.

Conditions:
Inborn genetic diseases. Identifiers: MedGen C0950123, MeSH D030342.

Allele frequency attached by ClinVar (database versions not stated): gnomAD exomes below 0.00001; ExAC 0.00001; gnomAD 0.00003; TOPMed 0.00005.

Submissions (2):

GeneDx
Classification: Uncertain significance. Last evaluated: 2024-10-30. Review status: criteria provided, single submitter. Criteria: GeneDx Variant Classification Process June 2021. Collection method: clinical testing. Allele origin: germline. Affected: yes.
Comment: Not observed at significant frequency in large population cohorts (gnomAD); In silico analysis supports that this missense variant has a deleterious effect on protein structure/function; Has not been previously published as pathogenic or benign to our knowledge

Ambry Genetics
Classification: Uncertain significance for Inborn genetic diseases. Last evaluated: 2023-03-29. Review status: criteria provided, single submitter. Criteria: Ambry Variant Classification Scheme 2023. Collection method: clinical testing. Allele origin: germline.

NM_032620.4(GTPBP3):c.128A>T (p.Gln43Leu)

Gene: GTPBP3 (GTP binding protein 3, mitochondrial; plus strand). Cytogenetic location: 19p13.11.
Variant type: single nucleotide variant.
Coding change: c.128A>T on transcript NM_032620.4 (MANE Select); coding-DNA position 128, A replaced by T.
Protein change: p.Gln43Leu; replaces glutamine 43 with leucine.
Molecular consequence: missense variant.
Genome position (GRCh38, 1-based): chr19:17,338,082, A>T. VCF-style: chr19-17338082-A-T. GRCh37 (hg19) VCF-style: chr19-17448891-A-T.
Other names: c.128A>T, p.Gln43Leu (NM_001128855.3, NM_133644.4); c.194A>T, p.Gln65Leu (NM_001195422.1); short protein forms Q43L, Q65L.
Identifiers: ClinVar variation 2522530 (VCV002522530.3), dbSNP rs768736855, ClinGen allele CA9293239.